The following is an entry in ClinVar:

ClinVar aggregate classification (germline): Conflicting classifications of pathogenicity. Review status: criteria provided, conflicting classifications (1 of 4 stars). 7 submissions from 7 submitters: Uncertain significance (6); Benign (1). Last evaluated 2026-02-02.

Conditions:
LAMA2-related muscular dystrophy (LAMA2-RD). Also called: Laminin alpha 2-related dystrophy. Identifiers: MedGen C5679788, MONDO:0100228.

Allele frequency attached by ClinVar (database versions not stated): gnomAD exomes 0.00001 and 0.00003; ExAC 0.00004; gnomAD 0.00014 and 0.00015; ESP Exome Variant Server 0.00015; TOPMed 0.00015; 1000 Genomes Project 0.00060; 1000 Genomes Project 30x 0.00078.
gnomAD v4.1: 43 of 1,572,674 alleles (0.0027%); highest among the groups gnomAD compares: African/African-American, 0.052%; no homozygotes.

Submissions (7):

Myriad Genetics, Inc.
Classification: Uncertain significance for LAMA2-related muscular dystrophy. Last evaluated: 2026-02-02. Review status: criteria provided, single submitter. Criteria: Myriad Autosomal Dominant, Autosomal Recessive and X-Linked Classification Criteria (2023). Collection method: clinical testing. Allele origin: unknown.
Comment: NM_000426.3(LAMA2):c.1873A>G(I625V) is a missense variant classified as a variant of uncertain significance in the context of muscular dystrophy, LAMA2-related. I625V has not been observed in cases with relevant disease. Relevant functional assessments of this variant are not available in the literature. I625V has been observed in referenced population frequency databases. In summary, there is insufficient evidence to classify NM_000426.3(LAMA2):c.1873A>G(I625V) as pathogenic or benign. Please note: this variant was assessed in the context of healthy population screening.

Women's Health and Genetics/Laboratory Corporation of America, LabCorp
Classification: Uncertain significance. Last evaluated: 2026-01-20. Review status: criteria provided, single submitter. Criteria: LabCorp Variant Classification Summary - May 2015. Collection method: clinical testing. Allele origin: germline.
Comment: Variant summary: LAMA2 c.1873A>G (p.Ile625Val) results in a conservative amino acid change in the encoded protein sequence. Algorithms developed to predict the effect of missense changes on protein structure and function all suggest that this variant is likely to be tolerated. The variant allele was found at a frequency of 2.8e-05 in 250964 control chromosomes. The available data on variant occurrences in the general population are insufficient to allow any conclusion about variant significance. To our knowledge, no occurrence of c.1873A>G in individuals affected with LAMA2-related conditions and no experimental evidence demonstrating its impact on protein function have been reported. ClinVar contains an entry for this variant (Variation ID: 447682). Based on the evidence outlined above, the variant was classified as uncertain significance.

Labcorp Genetics (formerly Invitae), Labcorp
Classification: Benign for LAMA2-related muscular dystrophy. Last evaluated: 2025-12-28. Review status: criteria provided, single submitter. Criteria: Invitae Variant Classification Sherloc (09022015). Collection method: clinical testing. Allele origin: germline.

Mayo Clinic Laboratories, Mayo Clinic
Classification: Uncertain significance. Last evaluated: 2024-08-12. Review status: criteria provided, single submitter. Criteria: ACMG Guidelines, 2015. Collection method: clinical testing. Allele origin: germline. Observed: 1 variant allele.
Comment: BP4

Revvity Omics, Revvity
Classification: Uncertain significance. Last evaluated: 2024-02-28. Review status: criteria provided, single submitter. Criteria: ACMG Guidelines, 2015. Collection method: clinical testing. Allele origin: germline.

GeneDx
Classification: Uncertain significance. Last evaluated: 2021-12-06. Review status: criteria provided, single submitter. Criteria: GeneDx Variant Classification Process June 2021. Collection method: clinical testing. Allele origin: germline. Affected: yes.
Comment: In silico analysis supports that this missense variant does not alter protein structure/function; Has not been previously published as pathogenic or benign to our knowledge

Athena Diagnostics
Classification: Uncertain significance. Last evaluated: 2016-12-19. Review status: criteria provided, single submitter. Criteria: Athena Diagnostics Criteria. Collection method: clinical testing. Allele origin: germline.

NM_000426.4(LAMA2):c.1873A>G (p.Ile625Val)

Gene: LAMA2 (laminin subunit alpha 2; plus strand). Cytogenetic location: 6q22.33.
Variant type: single nucleotide variant.
Coding change: c.1873A>G on transcript NM_000426.4 (MANE Select); coding-DNA position 1873, A replaced by G.
Protein change: p.Ile625Val; replaces isoleucine 625 with valine.
Molecular consequence: missense variant.
Genome position (GRCh38, 1-based): chr6:129,250,202, A>G. VCF-style: chr6-129250202-A-G. GRCh37 (hg19) VCF-style: chr6-129571347-A-G.
Other names: c.1873A>G, p.Ile625Val (NM_001079823.2); short protein forms I625V.
Identifiers: ClinVar variation 447682 (VCV000447682.17), dbSNP rs141658354, ClinGen allele CA3992762.